The following is an entry in ClinVar:

ClinVar aggregate classification (germline): Pathogenic (1 of 4 stars; one submission).

Conditions:
Familial hemophagocytic lymphohistiocytosis 3 (FHL3). Also called: UNC13D-Related Familial Hemophagocytic Lymphohistiocytosis (UNC13D-fHLH). Identifiers: Orphanet 540, MedGen C1837174, MONDO:0012146, OMIM 608898.

Submission:

Labcorp Genetics (formerly Invitae), Labcorp
Classification: Pathogenic for Familial hemophagocytic lymphohistiocytosis 3. Last evaluated: 2023-08-16. Review status: criteria provided, single submitter. Criteria: Invitae Variant Classification Sherloc (09022015). Collection method: clinical testing. Allele origin: germline.
Comment: This premature translational stop signal has been observed in individual(s) with familial hemophagocytic lymphohistiocytosis (PMID: 18492689). For these reasons, this variant has been classified as Pathogenic. Algorithms developed to predict the effect of sequence changes on RNA splicing suggest that this variant may create or strengthen a splice site. This variant is not present in population databases (gnomAD no frequency). This sequence change creates a premature translational stop signal (p.Gln463*) in the UNC13D gene. It is expected to result in an absent or disrupted protein product. Loss-of-function variants in UNC13D are known to be pathogenic (PMID: 14622600).

Literature cited by the submitters: PubMed 18492689; PubMed 14622600.

NM_199242.3(UNC13D):c.1387C>T (p.Gln463Ter)

Gene: UNC13D (unc-13 homolog D; minus strand). Cytogenetic location: 17q25.1.
Variant type: single nucleotide variant.
Coding change: c.1387C>T on transcript NM_199242.3 (MANE Select); coding-DNA position 1387, C replaced by T.
Protein change: p.Gln463Ter; replaces glutamine 463 with a stop codon.
Molecular consequence: nonsense.
Genome position (GRCh38, 1-based): chr17:75,836,341, G>A on the plus strand (C>T on the coding strand, the complement: UNC13D is on the minus strand). VCF-style: chr17-75836341-G-A. GRCh37 (hg19) VCF-style: chr17-73832422-G-A.
Other names: short protein forms Q463*.
Identifiers: ClinVar variation 2736663 (VCV002736663.3), dbSNP rs2545982383, ClinGen allele CA401099140.